The following is an entry in ClinVar:

NM_004260.4(RECQL4):c.2870A>G (p.Gln957Arg)

Gene: RECQL4 (RecQ like helicase 4; minus strand). Cytogenetic location: 8q24.3.
Variant type: single nucleotide variant.
Coding change: c.2870A>G on transcript NM_004260.4 (MANE Select); coding-DNA position 2870, A replaced by G.
Protein change: p.Gln957Arg; replaces glutamine 957 with arginine.
Molecular consequence: missense variant.
Genome position (GRCh38, 1-based): chr8:144,512,657, T>C on the plus strand (A>G on the coding strand, the complement: RECQL4 is on the minus strand). VCF-style: chr8-144512657-T-C. GRCh37 (hg19) VCF-style: chr8-145738040-T-C.
Other names: c.2576A>G, p.Gln859Arg (NM_001413017.1); c.2672A>G, p.Gln891Arg (NM_001413018.1); c.2945A>G, p.Gln982Arg (NM_001413019.1); c.2774A>G, p.Gln925Arg (NM_001413020.1); c.1799A>G, p.Gln600Arg (NM_001413021.1, NM_001413022.1, NM_001413024.1 and 4 more transcripts); c.1874A>G, p.Gln625Arg (NM_001413023.1); c.2741A>G, p.Gln914Arg (NM_001413025.1); c.1733A>G, p.Gln578Arg (NM_001413027.1, NM_001413030.1, NM_001413032.1); and 9 more; short protein forms Q468R, Q534R, Q590R, Q914R, Q578R, Q840R, Q859R, Q891R.
Identifiers: ClinVar variation 2024732 (VCV002024732.4), dbSNP rs1827471359, ClinGen allele CA372673896.

ClinVar aggregate classification (germline): Uncertain significance (1 of 4 stars; one submission).

Conditions:
Baller-Gerold syndrome (BGS). Also called: CRANIOSYNOSTOSIS WITH RADIAL DEFECTS. Identifiers: Orphanet 1225, MedGen C0265308, MONDO:0009039, OMIM 218600.

Submission:

Labcorp Genetics (formerly Invitae), Labcorp
Classification: Uncertain significance for Baller-Gerold syndrome. Last evaluated: 2021-12-07. Review status: criteria provided, single submitter. Criteria: Invitae Variant Classification Sherloc (09022015). Collection method: clinical testing. Allele origin: germline.
Comment: In summary, the available evidence is currently insufficient to determine the role of this variant in disease. Therefore, it has been classified as a Variant of Uncertain Significance. Experimental studies and prediction algorithms are not available or were not evaluated, and the functional significance of this variant is currently unknown. This variant has not been reported in the literature in individuals affected with RECQL4-related conditions. This variant is not present in population databases (gnomAD no frequency). This sequence change replaces glutamine, which is neutral and polar, with arginine, which is basic and polar, at codon 957 of the RECQL4 protein (p.Gln957Arg).